The following is an entry in ClinVar:

ClinVar aggregate classification (germline): Uncertain significance. Review status: criteria provided, multiple submitters, no conflicts (2 of 4 stars). 2 submissions from 2 submitters: Uncertain significance (2). Last evaluated 2026-06-20.

Conditions:
Inborn genetic diseases. Identifiers: MedGen C0950123, MeSH D030342.
Drash syndrome (DDS). Also called: NEPHROPATHY, WILMS TUMOR, AND GENITAL ANOMALIES; WILMS TUMOR AND PSEUDO- OR TRUE HERMAPHRODITISM. Identifiers: Orphanet 220, MedGen C0950121, MONDO:0008682, OMIM 194080.
Wilms tumor 1 (WT1). Also called: Wilms tumor, somatic. Identifiers: Orphanet 654, MedGen CN033288, MONDO:0008679, OMIM 194070.
11p partial monosomy syndrome (WAGR). Also called: WAGR Complex; WAGR Spectrum Disorder; CHROMOSOME 11p13 DELETION SYNDROME; WAGR syndrome. Identifiers: Orphanet 893, MedGen C0206115, MONDO:0008681, OMIM 194072.
Frasier syndrome. Identifiers: Orphanet 347, MedGen C0950122, MeSH D052159, MONDO:0007635, OMIM 136680.

Submissions (2):

Ambry Genetics
Classification: Uncertain significance for Inborn genetic diseases. Last evaluated: 2026-06-20. Review status: criteria provided, single submitter. Criteria: Ambry Variant Classification Scheme 2023. Collection method: clinical testing. Allele origin: germline.
Comment: The p.E154G variant (also known as c.461A>G), located in coding exon 1 of the WT1 gene, results from an A to G substitution at nucleotide position 461. The glutamic acid at codon 154 is replaced by glycine, an amino acid with similar properties. This amino acid position is conserved. In addition, this alteration is predicted to be tolerated by in silico analysis. Based on the available evidence, the clinical significance of this variant remains unclear.

Labcorp Genetics (formerly Invitae), Labcorp
Classification: Uncertain significance for Wilms tumor 1; Drash syndrome; 11p partial monosomy syndrome; Frasier syndrome. Last evaluated: 2023-12-27. Review status: criteria provided, single submitter. Criteria: Invitae Variant Classification Sherloc (09022015). Collection method: clinical testing. Allele origin: germline.
Comment: This sequence change replaces glutamic acid, which is acidic and polar, with glycine, which is neutral and non-polar, at codon 154 of the WT1 protein (p.Glu154Gly). This variant is not present in population databases (gnomAD no frequency). This variant has not been reported in the literature in individuals affected with WT1-related conditions. An algorithm developed to predict the effect of missense changes on protein structure and function (PolyPhen-2) suggests that this variant is likely to be disruptive. In summary, the available evidence is currently insufficient to determine the role of this variant in disease. Therefore, it has been classified as a Variant of Uncertain Significance.

NM_024426.6(WT1):c.476A>G (p.Glu159Gly)

Genes: WT1 (WT1 transcription factor; minus strand), LOC107982234 (WT1/WT1-AS bi-directional promoter region; plus strand). Cytogenetic location: 11p13.
Variant type: single nucleotide variant.
Coding change: c.476A>G on transcript NM_024426.6 (MANE Select); coding-DNA position 476, A replaced by G.
Protein change: p.Glu159Gly; replaces glutamic acid 159 with glycine.
Molecular consequence: missense variant. On other transcripts: non-coding transcript variant (2).
Genome position (GRCh38, 1-based): chr11:32,434,885, T>C on the plus strand (A>G on the coding strand, the complement: WT1 is on the minus strand). VCF-style: chr11-32434885-T-C. GRCh37 (hg19) VCF-style: chr11-32456431-T-C.
Other names: c.476A>G, p.Glu159Gly (NM_000378.6, NM_001407044.1, NM_001407045.1 and 6 more transcripts); c.461A>G, p.Glu154Gly (NM_024425.2); c.461A>G (NM_024426.4); short protein forms E159G, E154G.
Identifiers: ClinVar variation 2923160 (VCV002923160.3), dbSNP rs1853444986, ClinGen allele CA379964956.